The following is an entry in ClinVar:

ClinVar aggregate classification (germline): Uncertain significance (1 of 4 stars; one submission).

Conditions:
Primary ciliary dyskinesia. Also called: Ciliary dyskinesia. Identifiers: Orphanet 244, MedGen C0008780, MONDO:0016575, HP:0012265.

gnomAD v4.1: 5 of 1,613,018 alleles (0.00031%); highest among the groups gnomAD compares: Non-Finnish European, 0.00042%; no homozygotes.

Submission:

Ambry Genetics
Classification: Uncertain significance for Primary ciliary dyskinesia. Last evaluated: 2025-12-16. Review status: criteria provided, single submitter. Criteria: Ambry Variant Classification Scheme 2023. Collection method: clinical testing. Allele origin: germline.
Comment: The p.N4236I variant (also known as c.12707A>T), located in coding exon 77 of the DNAH11 gene, results from an A to T substitution at nucleotide position 12707. The asparagine at codon 4236 is replaced by isoleucine, an amino acid with dissimilar properties. This amino acid position is conserved. In addition, this alteration is predicted to be tolerated by in silico analysis. Based on the available evidence, the clinical significance of this variant remains unclear.

NM_001277115.2(DNAH11):c.12707A>T (p.Asn4236Ile)

Gene: DNAH11 (dynein axonemal heavy chain 11; plus strand). Cytogenetic location: 7p15.3.
Variant type: single nucleotide variant.
Coding change: c.12707A>T on transcript NM_001277115.2 (MANE Select); coding-DNA position 12707, A replaced by T.
Protein change: p.Asn4236Ile; replaces asparagine 4236 with isoleucine.
Molecular consequence: missense variant.
Genome position (GRCh38, 1-based): chr7:21,892,624, A>T. VCF-style: chr7-21892624-A-T. GRCh37 (hg19) VCF-style: chr7-21932242-A-T.
Other names: short protein forms N4236I.
Identifiers: ClinVar variation 4844034 (VCV004844034.1).